The following is an entry in ClinVar:

ClinVar aggregate classification (germline): Pathogenic. Review status: criteria provided, multiple submitters, no conflicts (2 of 4 stars). 2 submissions from 2 submitters: Pathogenic (2). Last evaluated 2022-09-12.

Submissions (2):

GeneDx
Classification: Pathogenic. Last evaluated: 2022-09-12. Review status: criteria provided, single submitter. Criteria: GeneDx Variant Classification Process June 2021. Collection method: clinical testing. Allele origin: germline. Affected: yes.
Comment: Frameshift variant predicted to result in protein truncation or nonsense mediated decay in a gene for which loss of function is a known mechanism of disease; Not observed at significant frequency in large population cohorts (gnomAD); Has not been previously published as pathogenic or benign to our knowledge; This variant is associated with the following publications: (PMID: 21394101, 19203578)

Labcorp Genetics (formerly Invitae), Labcorp
Classification: Pathogenic. Last evaluated: 2021-08-09. Review status: criteria provided, single submitter. Criteria: Invitae Variant Classification Sherloc (09022015). Collection method: clinical testing. Allele origin: germline.
Comment: This sequence change creates a premature translational stop signal (p.Cys50Trpfs*41) in the RNF168 gene. It is expected to result in an absent or disrupted protein product. Loss-of-function variants in RNF168 are known to be pathogenic (PMID: 19203578, 21394101). This variant is not present in population databases (ExAC no frequency). This variant has not been reported in the literature in individuals affected with RNF168-related conditions. For these reasons, this variant has been classified as Pathogenic.

Literature cited by the submitters: PubMed 19203578 (cited by Labcorp Genetics (formerly Invitae), Labcorp); PubMed 21394101 (cited by Labcorp Genetics (formerly Invitae), Labcorp).

NM_152617.4(RNF168):c.150_151del (p.Cys50fs)

Gene: RNF168 (ring finger protein 168; minus strand). Cytogenetic location: 3q29.
Variant type: Deletion.
Coding change: c.150_151del on transcript NM_152617.4 (MANE Select); coding-DNA positions 150 to 151, 2 bases deleted (CT; older notation c.150_151delCT).
Protein change: p.Cys50fs; shifts the reading frame from cysteine 50.
Molecular consequence: frameshift variant.
Genome position (GRCh38, 1-based): chr3:196,503,023-196,503,024, AG deleted on the plus strand (CT on the coding strand, the reverse complement: RNF168 is on the minus strand). VCF-style (leftmost placement, unchanged base first): chr3-196503022-CAG-C. GRCh37 (hg19) VCF-style: chr3-196229893-CAG-C.
Other names: c.150_151del (NM_152617.3); short protein forms C50fs.
Identifiers: ClinVar variation 1362017 (VCV001362017.6), dbSNP rs2108657437, ClinGen allele CA2573136882.